The following is an entry in ClinVar:

ClinVar aggregate classification (germline): Likely benign (1 of 4 stars; one submission).

Conditions:
Malignant hyperthermia, susceptibility to, 1 (MHS1). Also called: RYR1-Related Malignant Hyperthermia Susceptibility; Anesthesia related hyperthermia; Malignant hyperpyrexia; Fulminating hyperpyrexia; Pharmacogenic myopathy; Malignant hyperthermia suceptibility 1. Identifiers: Orphanet 423, MedGen C2930980, MONDO:0007783, OMIM 145600.

Submission:

All of Us Research Program, National Institutes of Health
Classification: Likely benign for Malignant hyperthermia, susceptibility to, 1. Last evaluated: 2022-11-30. Review status: criteria provided, single submitter. Criteria: ACMG Guidelines, 2015. Collection method: clinical testing. Allele origin: germline. Inheritance: Autosomal dominant inheritance. Observed: 1 variant allele, 1 heterozygote.
Comment: This study involves interpretation of variants in research participants for the purpose of population health screening. Participant phenotype was not available at the time of variant classification. Additional details can be found in publication PMID: 35346344, PMCID: PMC8962531

NM_000540.3(RYR1):c.4935-11C>G

Gene: RYR1 (ryanodine receptor 1; plus strand). Cytogenetic location: 19q13.2.
Variant type: single nucleotide variant.
Coding change: c.4935-11C>G on transcript NM_000540.3 (MANE Select); 11 bases into the intron before coding-DNA position 4935, C replaced by G.
Molecular consequence: intron variant.
Genome position (GRCh38, 1-based): chr19:38,485,579, C>G. VCF-style: chr19-38485579-C-G. GRCh37 (hg19) VCF-style: chr19-38976219-C-G.
Other names: c.4935-11C>G (NM_001042723.2).
Identifiers: ClinVar variation 3069327 (VCV003069327.1), dbSNP rs374482643, ClinGen allele CA2335046128.
Genomic context (GRCh38, chr19:38,485,579, plus strand): 5'-AAGAGATGGTGGCTTGACTGATGCAGGAGGCTCATTCATCTGTCCCTGTCTGTTTCCCAC[C>G]TCTGCTGCAGGTGCATGGACATCCTGGAGCTGTCGGAGCGCCTGGACCTGCAGCGCTTCC-3'